The following is an entry in ClinVar:

ClinVar aggregate classification (germline): Uncertain significance (1 of 4 stars; one submission).

Conditions:
Colorectal cancer, hereditary nonpolyposis, type 7. Identifiers: Orphanet 144, MedGen C1858380, MONDO:0013725, OMIM 614385.

Submission:

Labcorp Genetics (formerly Invitae), Labcorp
Classification: Uncertain significance for Colorectal cancer, hereditary nonpolyposis, type 7. Last evaluated: 2019-07-06. Review status: criteria provided, single submitter. Criteria: Invitae Variant Classification Sherloc (09022015). Collection method: clinical testing. Allele origin: germline.
Comment: This variant is not present in population databases (ExAC no frequency). In summary, the available evidence is currently insufficient to determine the role of this variant in disease. Therefore, it has been classified as a Variant of Uncertain Significance. Algorithms developed to predict the effect of missense changes on protein structure and function are either unavailable or do not agree on the potential impact of this missense change (SIFT: "Deleterious"; PolyPhen-2: "Benign"; Align-GVGD: "Class C0"). This variant has not been reported in the literature in individuals with MLH3-related conditions. This sequence change replaces leucine with proline at codon 782 of the MLH3 protein (p.Leu782Pro). The leucine residue is moderately conserved and there is a moderate physicochemical difference between leucine and proline.

NM_001040108.2(MLH3):c.2345T>C (p.Leu782Pro)

Gene: MLH3 (mutL homolog 3; minus strand). Cytogenetic location: 14q24.3.
Variant type: single nucleotide variant.
Coding change: c.2345T>C on transcript NM_001040108.2 (MANE Select); coding-DNA position 2345, T replaced by C.
Protein change: p.Leu782Pro; replaces leucine 782 with proline.
Molecular consequence: missense variant.
Genome position (GRCh38, 1-based): chr14:75,047,311, A>G on the plus strand (T>C on the coding strand, the complement: MLH3 is on the minus strand). VCF-style: chr14-75047311-A-G. GRCh37 (hg19) VCF-style: chr14-75514014-A-G.
Other names: c.2345T>C, p.Leu782Pro (NM_014381.3); short protein forms L782P.
Identifiers: ClinVar variation 945398 (VCV000945398.9), dbSNP rs1892311173, ClinGen allele CA390440902.
Genomic context (GRCh38, chr14:75,047,311, plus strand): 5'-TCAGAGTTCTCTAAGCGGTTCTTGTCCTTCAGCAGAATGTCAGGTTCAACTTGAAGACTG[A>G]GATTGGTAGTGACTCCATTACTTTCCTCTACTTCTGTATCCAGAGGATTTTCAACCTTCC-3'
Protein context (NP_001035197.1, residues 772-792): VEESNGVTTN[Leu782Pro]SLQVEPDILL